The following is an entry in ClinVar:

NM_001080517.3(SETD5):c.2927C>G (p.Ala976Gly)

Gene: SETD5 (SET domain containing 5; plus strand). Cytogenetic location: 3p25.3.
Variant type: single nucleotide variant.
Coding change: c.2927C>G on transcript NM_001080517.3 (MANE Select); coding-DNA position 2927, C replaced by G.
Protein change: p.Ala976Gly; replaces alanine 976 with glycine.
Molecular consequence: missense variant.
Genome position (GRCh38, 1-based): chr3:9,470,661, C>G. VCF-style: chr3-9470661-C-G. GRCh37 (hg19) VCF-style: chr3-9512345-C-G.
Other names: c.2633C>G, p.Ala878Gly (NM_001292043.2, NM_001349451.2); short protein forms A976G, A878G.
Identifiers: ClinVar variation 446014 (VCV000446014.43), dbSNP rs138685269, ClinGen allele CA2239578.

ClinVar aggregate classification (germline): Benign/Likely benign. Review status: criteria provided, multiple submitters, no conflicts (2 of 4 stars). 6 submissions from 6 submitters: Benign (1); Likely benign (4). 1 of the submissions does not count toward it. Last evaluated 2025-12-22.

Conditions:
SETD5-related disorder. Also called: SETD5-related disorders; SETD5-related condition.

Allele frequency attached by ClinVar (database versions not stated): 1000 Genomes Project 0.00040; 1000 Genomes Project 30x 0.00062; ExAC 0.00083; gnomAD 0.00087 and 0.00090; gnomAD exomes 0.00088 and 0.00156; TOPMed 0.00091; ESP Exome Variant Server 0.00115.
gnomAD v4.1: 2,407 of 1,614,012 alleles (0.15%); highest among the groups gnomAD compares: Non-Finnish European, 0.19%; 2 homozygotes.

Submissions (6):

Labcorp Genetics (formerly Invitae), Labcorp
Classification: Likely benign. Last evaluated: 2025-12-22. Review status: criteria provided, single submitter. Criteria: Invitae Variant Classification Sherloc (09022015). Collection method: clinical testing. Allele origin: germline.

CeGaT Center for Human Genetics Tuebingen
Classification: Likely benign. Last evaluated: 2025-12-01. Review status: criteria provided, single submitter. Criteria: CeGaT Center For Human Genetics Tuebingen Variant Classification Criteria Version 2. Collection method: clinical testing. Allele origin: germline. Affected: yes. Observed: 8 variant alleles.
Comment: SETD5: BS1

GeneDx
Classification: Benign. Last evaluated: 2019-07-16. Review status: criteria provided, single submitter. Criteria: GeneDx Variant Classification Process June 2021. Collection method: clinical testing. Allele origin: germline. Affected: yes.

Center for Pediatric Genomic Medicine, Children's Mercy Hospital and Clinics
Classification: Likely benign. Last evaluated: 2017-04-20. Review status: criteria provided, single submitter. Criteria: ACMG Guidelines, 2015. Collection method: clinical testing. Allele origin: germline.

Breakthrough Genomics
Classification: Likely benign. Review status: criteria provided, single submitter. Criteria: ACMG Guidelines, 2015. Collection method: not provided. Allele origin: germline. Inheritance: Autosomal dominant inheritance. Affected: yes.

PreventionGenetics, part of Exact Sciences
Classification: Likely benign for SETD5-related condition. Last evaluated: 2022-04-13. Review status: no assertion criteria provided. Collection method: clinical testing. Allele origin: germline. Not counted in ClinVar's aggregate classification.
Comment: This variant is classified as likely benign based on ACMG/AMP sequence variant interpretation guidelines (Richards et al. 2015 PMID: 25741868, with internal and published modifications).